The following is an entry in ClinVar:

ClinVar aggregate classification (germline): Uncertain significance (1 of 4 stars; one submission).

Submission:

Labcorp Genetics (formerly Invitae), Labcorp
Classification: Uncertain significance. Last evaluated: 2023-09-09. Review status: criteria provided, single submitter. Criteria: Invitae Variant Classification Sherloc (09022015). Collection method: clinical testing. Allele origin: germline.
Comment: This sequence change replaces serine, which is neutral and polar, with glycine, which is neutral and non-polar, at codon 119 of the TAB2 protein (p.Ser119Gly). This variant is not present in population databases (gnomAD no frequency). This variant has not been reported in the literature in individuals affected with TAB2-related conditions. Advanced modeling of protein sequence and biophysical properties (such as structural, functional, and spatial information, amino acid conservation, physicochemical variation, residue mobility, and thermodynamic stability) performed at Invitae indicates that this missense variant is not expected to disrupt TAB2 protein function. In summary, the available evidence is currently insufficient to determine the role of this variant in disease. Therefore, it has been classified as a Variant of Uncertain Significance.

NM_001292034.3(TAB2):c.355A>G (p.Ser119Gly)

Gene: TAB2 (TGF-beta activated kinase 1 (MAP3K7) binding protein 2; plus strand). Cytogenetic location: 6q25.1.
Variant type: single nucleotide variant.
Coding change: c.355A>G on transcript NM_001292034.3 (MANE Select); coding-DNA position 355, A replaced by G.
Protein change: p.Ser119Gly; replaces serine 119 with glycine.
Molecular consequence: missense variant.
Genome position (GRCh38, 1-based): chr6:149,378,270, A>G. VCF-style: chr6-149378270-A-G. GRCh37 (hg19) VCF-style: chr6-149699406-A-G.
Other names: c.259A>G, p.Ser87Gly (NM_001292035.3); c.355A>G, p.Ser119Gly (NM_001369506.1, NM_015093.6); short protein forms S119G, S87G.
Identifiers: ClinVar variation 2749532 (VCV002749532.3), dbSNP rs995169701, ClinGen allele CA149915931.